The following is an entry in ClinVar:

NM_000540.3(RYR1):c.1416C>T (p.Asn472=)

Gene: RYR1 (ryanodine receptor 1; plus strand). Cytogenetic location: 19q13.2.
Variant type: single nucleotide variant.
Coding change: c.1416C>T on transcript NM_000540.3 (MANE Select); coding-DNA position 1416, C replaced by T.
Protein change: p.Asn472=; no amino-acid change (asparagine 472 retained).
Molecular consequence: synonymous variant.
Genome position (GRCh38, 1-based): chr19:38,452,990, C>T. VCF-style: chr19-38452990-C-T. GRCh37 (hg19) VCF-style: chr19-38943630-C-T.
Other names: c.1416C>T, p.Asn472= (NM_001042723.2).
Identifiers: ClinVar variation 3071249 (VCV003071249.2), dbSNP rs2514016950, ClinGen allele CA507242802.
Genomic context (GRCh38, chr19:38,452,990, plus strand): 5'-GCCTCCCTCCGAGGACTTGCAGCACGAGGAGAAGCAGAGCAAGCTGCGAAGCCTGCGCAA[C>T]CGCCAGAGCCTCTTCCAGGAGGAGGTGAGGACGTGGCGAGGGCGGAGCGGGGCCTGTGGG-3'
Protein context (NP_000531.2, residues 462-482): EKQSKLRSLR[Asn472=]RQSLFQEEGM

ClinVar aggregate classification (germline): Likely benign. Review status: criteria provided, multiple submitters, no conflicts (2 of 4 stars). 2 submissions from 2 submitters: Likely benign (2). Last evaluated 2025-08-26.

Conditions:
RYR1-related disorder. Also called: RYR1-related condition; RYR1-related disorders. Identifiers: MedGen CN239331.
Malignant hyperthermia, susceptibility to, 1 (MHS1). Also called: Anesthesia related hyperthermia; Malignant hyperpyrexia; Fulminating hyperpyrexia; Pharmacogenic myopathy; RYR1-Related Malignant Hyperthermia Susceptibility; Malignant hyperthermia suceptibility 1. Identifiers: Orphanet 423, MedGen C2930980, MONDO:0007783, OMIM 145600.

Submissions (2):

Labcorp Genetics (formerly Invitae), Labcorp
Classification: Likely benign for RYR1-related disorder. Last evaluated: 2025-08-26. Review status: criteria provided, single submitter. Criteria: Invitae Variant Classification Sherloc (09022015). Collection method: clinical testing. Allele origin: germline.

All of Us Research Program, National Institutes of Health
Classification: Likely benign for Malignant hyperthermia, susceptibility to, 1. Last evaluated: 2023-05-16. Review status: criteria provided, single submitter. Criteria: ACMG Guidelines, 2015. Collection method: clinical testing. Allele origin: germline. Inheritance: Autosomal dominant inheritance. Observed: 1 variant allele, 1 heterozygote.
Comment: This study involves interpretation of variants in research participants for the purpose of population health screening. Participant phenotype was not available at the time of variant classification. Additional details can be found in publication PMID: 35346344, PMCID: PMC8962531